The following is an entry in ClinVar:

ClinVar aggregate classification (germline): Likely benign (0 of 4 stars; one submission).

Conditions:
SIM1-related disorder. Also called: SIM1-related condition; SIM1-related disorders.

gnomAD v4.1: 2 of 1,614,048 alleles (0.00012%); highest among the groups gnomAD compares: Non-Finnish European, 0.00017%; no homozygotes.

Submission:

PreventionGenetics, part of Exact Sciences
Classification: Likely benign for SIM1-related condition. Last evaluated: 2024-06-25. Review status: no assertion criteria provided. Collection method: clinical testing. Allele origin: germline.
Comment: This variant is classified as likely benign based on ACMG/AMP sequence variant interpretation guidelines (Richards et al. 2015 PMID: 25741868, with internal and published modifications).

NM_005068.3(SIM1):c.90C>T (p.Pro30=)

Gene: SIM1 (SIM bHLH transcription factor 1; minus strand). Cytogenetic location: 6q16.3.
Variant type: single nucleotide variant.
Coding change: c.90C>T on transcript NM_005068.3 (MANE Select); coding-DNA position 90, C replaced by T.
Protein change: p.Pro30=; no amino-acid change (proline 30 retained).
Molecular consequence: synonymous variant.
Genome position (GRCh38, 1-based): chr6:100,463,379, G>A on the plus strand (C>T on the coding strand, the complement: SIM1 is on the minus strand). VCF-style: chr6-100463379-G-A. GRCh37 (hg19) VCF-style: chr6-100911255-G-A.
Other names: c.90C>T, p.Pro30= (NM_001374769.1).
Identifiers: ClinVar variation 3354389 (VCV003354389.1).